The following is an entry in ClinVar:

ClinVar aggregate classification (germline): Benign/Likely benign. Review status: criteria provided, multiple submitters, no conflicts (2 of 4 stars). 13 submissions from 10 submitters: Benign (8); Likely benign (4). 1 of the submissions does not count toward it. Last evaluated 2026-01-27.

Conditions:
Hypoalphalipoproteinemia, primary, 2. Also called: HIGH DENSITY LIPOPROTEIN DEFICIENCY; HYPOALPHALIPOPROTEINEMIA, PRIMARY, 2, AUTOSOMAL RECESSIVE. Identifiers: MedGen C5551172, MONDO:0032766, OMIM 618463.
Hypoalphalipoproteinemia, primary, 1. Identifiers: Orphanet 425, MedGen C5231558, MONDO:0011393, OMIM 604091.
Hypoalphalipoproteinemia, primary, 2, intermediate. Also called: HYPOALPHALIPOPROTEINEMIA, PRIMARY, 2, AUTOSOMAL DOMINANT. Identifiers: MedGen C5677030, MONDO:0859238, OMIM 619836.
Familial visceral amyloidosis, Ostertag type (AMYLD2). Also called: AMYLOIDOSIS, HEREDITARY SYSTEMIC 2; AMYLOIDOSIS VIII; Familial visceral amyloidosis; Amyloidosis, hepatic and systemic; Hereditary Renal Amyloidosis; Ostertag type amyloidosis. Identifiers: Orphanet 85450, MedGen C0268389, MONDO:0007099, OMIM 105200.
Cardiovascular phenotype. Identifiers: MedGen CN230736.

Allele frequency attached by ClinVar (database versions not stated): gnomAD exomes 0.00095; ExAC 0.00117; 1000 Genomes Project 0.00319; ESP Exome Variant Server 0.00324; gnomAD 0.00344 and 0.00368; TOPMed 0.00346; 1000 Genomes Project 30x 0.00359.
gnomAD v4.1: 1,109 of 1,613,250 alleles (0.069%); highest among the groups gnomAD compares: African/African-American, 1.1%; 7 homozygotes.

Submissions (13):

Labcorp Genetics (formerly Invitae), Labcorp
Classification: Benign. Last evaluated: 2026-01-27. Review status: criteria provided, single submitter. Criteria: Invitae Variant Classification Sherloc (09022015). Collection method: clinical testing. Allele origin: germline.

Mayo Clinic Laboratories, Mayo Clinic
Classification: Likely benign. Last evaluated: 2025-04-21. Review status: criteria provided, single submitter. Criteria: ACMG Guidelines, 2015. Collection method: clinical testing. Allele origin: germline. Observed: 4 variant alleles.
Comment: BS1, BP4, BP7

Blueprint Genetics
Classification: Likely benign. Last evaluated: 2024-11-13. Review status: criteria provided, single submitter. Criteria: ACMG Guidelines, 2015. Collection method: clinical testing. Allele origin: germline.

Ambry Genetics
Classification: Benign for Cardiovascular phenotype. Last evaluated: 2021-12-21. Review status: criteria provided, single submitter. Criteria: Ambry Variant Classification Scheme 2023. Collection method: clinical testing. Allele origin: germline.

Genome-Nilou Lab
Classification: Benign for Familial visceral amyloidosis, Ostertag type. Last evaluated: 2021-12-05. Review status: criteria provided, single submitter. Criteria: ACMG Guidelines, 2015. Collection method: clinical testing. Allele origin: germline. Affected: no.

Genome-Nilou Lab
Classification: Benign for Hypoalphalipoproteinemia, primary, 2. Last evaluated: 2021-12-05. Review status: criteria provided, single submitter. Criteria: ACMG Guidelines, 2015. Collection method: clinical testing. Allele origin: germline. Affected: no.

Genome-Nilou Lab
Classification: Benign for Hypoalphalipoproteinemia, primary, 2, intermediate. Last evaluated: 2021-12-05. Review status: criteria provided, single submitter. Criteria: ACMG Guidelines, 2015. Collection method: clinical testing. Allele origin: germline. Affected: no.

GeneDx
Classification: Likely benign. Last evaluated: 2021-03-15. Review status: criteria provided, single submitter. Criteria: GeneDx Variant Classification Process June 2021. Collection method: clinical testing. Allele origin: germline. Affected: yes.

Women's Health and Genetics/Laboratory Corporation of America, LabCorp
Classification: Benign. Last evaluated: 2018-08-14. Review status: criteria provided, single submitter. Criteria: LabCorp Variant Classification Summary - May 2015. Collection method: clinical testing. Allele origin: germline.
Comment: Variant summary: APOA1 c.732C>G alters a non-conserved nucleotide resulting in a synonymous change. Several computational tools predict a significant impact on normal splicing: Three predict the variant creates a cryptic 5' donor site. However, these predictions have yet to be confirmed by functional studies. The variant allele was found at a frequency of 0.0012 in 275838 control chromosomes, predominantly at a frequency of 0.011 within the African subpopulation in the gnomAD database, including 4 homozygotes. The observed variant frequency within African control individuals in the gnomAD database is approximately 440-folds higher than the estimated maximal expected allele frequency for a pathogenic variant in APOA1 causing Cardiomyopathy phenotype (2.5e-05), strongly suggesting that the variant is a benign polymorphism found primarily in populations of African origin. A publication cites the variant in a cohort from the Copenhagen City Heart Study (Haase_2012), but with limitied information. A ClinVar submission from another clinical diagnostic laboratory (evaluation after 2014) cite the variant as "likely benign." Based on the evidence outlined above, the variant was classified as benign.

Illumina Laboratory Services, Illumina
Classification: Benign for Familial visceral amyloidosis, Ostertag type. Last evaluated: 2018-01-13. Review status: criteria provided, single submitter. Criteria: ICSL Variant Classification Criteria 13 December 2019. Collection method: clinical testing. Allele origin: germline.
Comment: This variant was observed in the ICSL laboratory as part of a predisposition screen in an ostensibly healthy population. It had not been previously curated by ICSL or reported in the Human Gene Mutation Database (HGMD: prior to June 1st, 2018), and was therefore a candidate for classification through an automated scoring system. Utilizing variant allele frequency, disease prevalence and penetrance estimates, and inheritance mode, an automated score was calculated to assess if this variant is too frequent to cause the disease. Based on the score and internal cut-off values, a variant classified as benign is not then subjected to further curation. The score for this variant resulted in a classification of benign for this disease.

Illumina Laboratory Services, Illumina
Classification: Benign for Hypoalphalipoproteinemia, primary, 1. Last evaluated: 2018-01-13. Review status: criteria provided, single submitter. Criteria: ICSL Variant Classification Criteria 13 December 2019. Collection method: clinical testing. Allele origin: germline.
Comment: the same text as in the submission from Illumina Laboratory Services, Illumina above.

Breakthrough Genomics
Classification: Likely benign. Review status: criteria provided, single submitter. Criteria: ACMG Guidelines, 2015. Collection method: not provided. Allele origin: germline. Inheritance: Autosomal recessive inheritance. Affected: yes.

Genetic Services Laboratory, University of Chicago
Classification: Likely benign. Last evaluated: 2022-07-27. Review status: no assertion criteria provided. Collection method: clinical testing. Allele origin: germline. Affected: no. Not counted in ClinVar's aggregate classification.

Literature cited by the submitters: PubMed 23209431 (cited by Ambry Genetics and Women's Health and Genetics/Laboratory Corporation of America, LabCorp).

NM_000039.3(APOA1):c.732C>G (p.Pro244=)

Gene: APOA1 (apolipoprotein A1; minus strand). Cytogenetic location: 11q23.3.
Variant type: single nucleotide variant.
Coding change: c.732C>G on transcript NM_000039.3 (MANE Select); coding-DNA position 732, C replaced by G.
Protein change: p.Pro244=; no amino-acid change (proline 244 retained).
Molecular consequence: synonymous variant.
Genome position (GRCh38, 1-based): chr11:116,835,880, G>C on the plus strand (C>G on the coding strand, the complement: APOA1 is on the minus strand). VCF-style: chr11-116835880-G-C. GRCh37 (hg19) VCF-style: chr11-116706596-G-C.
Other names: p.Pro244=; c.732C>G, p.Pro244= (NM_001318017.2, NM_001318018.2); c.405C>G, p.Pro135= (NM_001318021.2).
Identifiers: ClinVar variation 302501 (VCV000302501.24), dbSNP rs5080, ClinGen allele CA6289748.